The following is an entry in ClinVar:

NM_000038.6(APC):c.6028A>G (p.Lys2010Glu)

Gene: APC (APC regulator of Wnt signaling pathway; plus strand). Cytogenetic location: 5q22.2.
Variant type: single nucleotide variant.
Coding change: c.6028A>G on transcript NM_000038.6 (MANE Select); coding-DNA position 6028, A replaced by G.
Protein change: p.Lys2010Glu; replaces lysine 2010 with glutamic acid.
Molecular consequence: missense variant.
Genome position (GRCh38, 1-based): chr5:112,841,622, A>G. VCF-style: chr5-112841622-A-G. GRCh37 (hg19) VCF-style: chr5-112177319-A-G.
Other names: c.6028A>G, p.Lys2010Glu (NM_001127510.3, NM_001354895.2); c.5974A>G, p.Lys1992Glu (NM_001127511.3); c.6082A>G, p.Lys2028Glu (NM_001354896.2); c.6058A>G, p.Lys2020Glu (NM_001354897.2); c.5953A>G, p.Lys1985Glu (NM_001354898.2); c.5944A>G, p.Lys1982Glu (NM_001354899.2); c.5905A>G, p.Lys1969Glu (NM_001354900.2); c.5851A>G, p.Lys1951Glu (NM_001354901.2); and 5 more; short protein forms K1992E, K2010E, K1985E, K1727E, K1850E, K1951E, K2020E, K1909E.
Identifiers: ClinVar variation 186043 (VCV000186043.18), dbSNP rs767781213, ClinGen allele CA010866.

ClinVar aggregate classification (germline): Uncertain significance. Review status: criteria provided, multiple submitters, no conflicts (2 of 4 stars). 4 submissions from 4 submitters: Uncertain significance (4). Last evaluated 2025-11-19.

Conditions:
Classic or attenuated familial adenomatous polyposis. Identifiers: MedGen CN372698, MONDO:0021057.
Hereditary cancer-predisposing syndrome. Also called: Hereditary neoplastic syndrome; Neoplastic Syndromes, Hereditary; Tumor predisposition; Hereditary Cancer Syndrome. Identifiers: Orphanet 140162, MedGen C0027672, MeSH D009386, MONDO:0015356.
Familial adenomatous polyposis 1 (FAP1). Also called: FAMILIAL ADENOMATOUS POLYPOSIS 1, ATTENUATED; POLYPOSIS, ADENOMATOUS INTESTINAL. Identifiers: MedGen C2713442, MONDO:0021056, OMIM 175100. Disease mechanism: loss of function.

Allele frequency attached by ClinVar (database versions not stated): TOPMed below 0.00001; gnomAD exomes 0.00001; ExAC 0.00002.
gnomAD v4.1: 9 of 1,613,320 alleles (0.00056%); highest among the groups gnomAD compares: Non-Finnish European, 0.00076%; no homozygotes.

Submissions (4):

Color Diagnostics, LLC DBA Color Health
Classification: Uncertain significance for Hereditary cancer-predisposing syndrome. Last evaluated: 2025-11-19. Review status: criteria provided, single submitter. Criteria: ACMG Guidelines, 2015. Collection method: clinical testing. Allele origin: germline.
Comment: This missense variant replaces lysine with glutamic acid at codon 2010 of the APC protein. This is a missense variant not located in the first 15-amino acid repeat of the beta--catenin binding domain (codon 1021-1035) (PMID: 37800450). To our knowledge, functional studies have not been reported for this variant. This variant has not been reported in individuals affected with APC-related disorders in the literature. This variant has been identified in 9/1613320 chromosomes in the general population by the Genome Aggregation Database (gnomAD). The available evidence is insufficient to determine the role of this variant in disease conclusively. Therefore, this variant is classified as a Variant of Uncertain Significance.

Ambry Genetics
Classification: Uncertain significance for Hereditary cancer-predisposing syndrome. Last evaluated: 2025-11-03. Review status: criteria provided, single submitter. Criteria: Ambry Variant Classification Scheme 2023. Collection method: clinical testing. Allele origin: germline.
Comment: The p.K2010E variant (also known as c.6028A>G), located in coding exon 15 of the APC gene, results from an A to G substitution at nucleotide position 6028. The lysine at codon 2010 is replaced by glutamic acid, an amino acid with similar properties. This amino acid position is well conserved in available vertebrate species. In addition, in silico predictors for this gene do not accurately predict pathogenicity. Since supporting evidence is limited at this time, the clinical significance of this alteration remains unclear.

Labcorp Genetics (formerly Invitae), Labcorp
Classification: Uncertain significance for Familial adenomatous polyposis 1. Last evaluated: 2025-10-29. Review status: criteria provided, single submitter. Criteria: Invitae Variant Classification Sherloc (09022015). Collection method: clinical testing. Allele origin: germline.
Comment: This sequence change replaces lysine, which is basic and polar, with glutamic acid, which is acidic and polar, at codon 2010 of the APC protein (p.Lys2010Glu). This variant is present in population databases (rs767781213, gnomAD 0.003%). This variant has not been reported in the literature in individuals affected with APC-related conditions. ClinVar contains an entry for this variant (Variation ID: 186043). Invitae Evidence Modeling of protein sequence and biophysical properties (such as structural, functional, and spatial information, amino acid conservation, physicochemical variation, residue mobility, and thermodynamic stability) indicates that this missense variant is not expected to disrupt APC protein function with a negative predictive value of 95%. In summary, the available evidence is currently insufficient to determine the role of this variant in disease. Therefore, it has been classified as a Variant of Uncertain Significance.

All of Us Research Program, National Institutes of Health
Classification: Uncertain significance for Classic or attenuated familial adenomatous polyposis. Last evaluated: 2024-03-05. Review status: criteria provided, single submitter. Criteria: ACMG Guidelines, 2015. Collection method: clinical testing. Allele origin: germline. Inheritance: Autosomal dominant inheritance. Observed: 3 variant alleles, 3 heterozygotes.
Comment: This missense variant replaces lysine with glutamic acid at codon 2010 of the APC protein. Computational prediction is inconclusive regarding the impact of this variant on protein structure and function (internally defined REVEL score threshold 0.5 < inconclusive < 0.7, PMID: 27666373). To our knowledge, functional studies have not been reported for this variant. This variant has not been reported in individuals affected with APC-related disorders in the literature. This variant has been identified in 3/250118 chromosomes in the general population by the Genome Aggregation Database (gnomAD). The available evidence is insufficient to determine the role of this variant in disease conclusively. Therefore, this variant is classified as a Variant of Uncertain Significance.

This study involves interpretation of variants in research participants for the purpose of population health screening. Participant phenotype was not available at the time of variant classification. Additional details can be found in publication PMID: 35346344, PMCID: PMC8962531

Literature cited by the submitters: PubMed 37800450 (cited by Color Diagnostics, LLC DBA Color Health).